The following is an entry in ClinVar:

ClinVar aggregate classification (germline): Uncertain significance (1 of 4 stars; one submission).

Submission:

GeneDx
Classification: Uncertain significance. Last evaluated: 2024-12-11. Review status: criteria provided, single submitter. Criteria: GeneDx Variant Classification Process June 2021. Collection method: clinical testing. Allele origin: germline. Affected: yes.
Comment: In silico analysis supports that this missense variant has a deleterious effect on protein structure/function; Not observed at significant frequency in large population cohorts (gnomAD); Has not been previously published as pathogenic or benign to our knowledge

NM_002465.4(MYBPC1):c.781G>C (p.Gly261Arg)

Gene: MYBPC1 (myosin binding protein C1; plus strand). Cytogenetic location: 12q23.2.
Variant type: single nucleotide variant.
Coding change: c.781G>C on transcript NM_002465.4 (MANE Select); coding-DNA position 781, G replaced by C.
Protein change: p.Gly261Arg; replaces glycine 261 with arginine.
Molecular consequence: missense variant.
Genome position (GRCh38, 1-based): chr12:101,642,534, G>C. VCF-style: chr12-101642534-G-C. GRCh37 (hg19) VCF-style: chr12-102036312-G-C.
Other names: c.706G>C, p.Gly236Arg (NM_001254718.3, NM_001254719.3, NM_206820.4 and 1 more transcripts); c.670G>C, p.Gly224Arg (NM_001254720.3); c.649G>C, p.Gly217Arg (NM_001254721.3, NM_001404676.1, NM_001404678.1); c.628G>C, p.Gly210Arg (NM_001254722.3, NM_001404680.1); c.667G>C, p.Gly223Arg (NM_001254723.3); c.781G>C, p.Gly261Arg (NM_001404675.1, NM_206819.4); c.571G>C, p.Gly191Arg (NM_001404677.1, NM_001404679.1, NM_001404681.1); short protein forms G191R, G210R, G217R, G223R, G224R, G236R, G261R.
Identifiers: ClinVar variation 3903398 (VCV003903398.1).